The following is an entry in ClinVar:

NM_182943.3(PLOD2):c.1005+15A>G

Gene: PLOD2 (procollagen-lysine,2-oxoglutarate 5-dioxygenase 2; minus strand). Cytogenetic location: 3q24.
Variant type: single nucleotide variant.
Coding change: c.1005+15A>G on transcript NM_182943.3 (MANE Select); 15 bases into the intron after coding-DNA position 1005, A replaced by G.
Molecular consequence: intron variant.
Genome position (GRCh38, 1-based): chr3:146,088,571, T>C on the plus strand (A>G on the coding strand, the complement: PLOD2 is on the minus strand). VCF-style: chr3-146088571-T-C. GRCh37 (hg19) VCF-style: chr3-145806358-T-C.
Other names: c.1005+15A>G (NM_000935.3).
Identifiers: ClinVar variation 2637791 (VCV002637791.1), dbSNP rs2473261858, ClinGen allele CA2565849005.

ClinVar aggregate classification (germline): Likely benign (1 of 4 stars; one submission).

Submission:

Women's Health and Genetics/Laboratory Corporation of America, LabCorp
Classification: Likely benign. Last evaluated: 2023-10-17. Review status: criteria provided, single submitter. Criteria: LabCorp Variant Classification Summary - May 2015. Collection method: clinical testing. Allele origin: germline.
Comment: Variant summary: PLOD2 c.1005+15A>G alters a non-conserved nucleotide located at a position not widely known to affect splicing. Consensus agreement among computation tools predict no significant impact on normal splicing. However, these predictions have yet to be confirmed by functional studies. The variant was absent in 236390 control chromosomes (gnomAD). The available data on variant occurrences in the general population are insufficient to allow any conclusion about variant significance. To our knowledge, no occurrence of c.1005+15A>G in individuals affected with Osteogenesis Imperfecta and no experimental evidence demonstrating its impact on protein function have been reported. No submitters have cited clinical-significance assessments for this variant to ClinVar after 2014. Based on the evidence outlined above, the variant was classified as likely benign.